The following is an entry in ClinVar:

NM_000384.3(APOB):c.631C>T (p.Gln211Ter)

Gene: APOB (apolipoprotein B; minus strand). Cytogenetic location: 2p24.1.
Variant type: single nucleotide variant.
Coding change: c.631C>T on transcript NM_000384.3 (MANE Select); coding-DNA position 631, C replaced by T.
Protein change: p.Gln211Ter; replaces glutamine 211 with a stop codon.
Molecular consequence: nonsense.
Genome position (GRCh38, 1-based): chr2:21,037,162, G>A on the plus strand (C>T on the coding strand, the complement: APOB is on the minus strand). VCF-style: chr2-21037162-G-A. GRCh37 (hg19) VCF-style: chr2-21260034-G-A.
Other names: short protein forms Q211*.
Identifiers: ClinVar variation 228245 (VCV000228245.6), dbSNP rs143301836, ClinGen allele CA10576587.

ClinVar aggregate classification (germline): Likely pathogenic. Review status: criteria provided, multiple submitters, no conflicts (2 of 4 stars). 2 submissions from 2 submitters: Likely pathogenic (2). Last evaluated 2020-01-22.

Conditions:
Hypobetalipoproteinemia. Identifiers: Orphanet 31154, MedGen C0020597, MONDO:0017774.
Familial hypobetalipoproteinemia 1. Also called: APOB-Related Familial Hypobetalipoproteinemia; Hypobetalipoproteinemia, normotriglyceridemic; Acanthocytosis with hypobetalipoproteinemia. Identifiers: MedGen C4551990, MONDO:0014252, OMIM 615558.

Allele frequency attached by ClinVar (database versions not stated): gnomAD exomes below 0.00001.

Submissions (2):

Broad Center for Mendelian Genomics, Broad Institute of MIT and Harvard
Classification: Likely pathogenic for Familial hypobetalipoproteinemia 1. Last evaluated: 2020-01-22. Review status: criteria provided, single submitter. Criteria: ACMG Guidelines, 2015. Collection method: curation. Allele origin: germline. Inheritance: Autosomal recessive inheritance.
Comment: The p.Gln211Ter variant in APOB has not been previously reported in individuals with familial low LDL and was absent from large population studies. This variant has been reported in ClinVar (VariationID: 228245) as likely pathogenic by the Laboratory for Molecular Medicine. This nonsense variant leads to a premature termination codon at position 211, which is predicted to lead to a truncated or absent protein. Loss of function of the APOB gene is an established disease mechanism in autosomal recessive low LDL. In summary, although additional studies are required to fully establish its clinical significance, this variant is likely pathogenic. ACMG/AMP Criteria applied: PVS1, PM2 (Richards 2015).

Laboratory for Molecular Medicine, Mass General Brigham Personalized Medicine
Classification: Likely pathogenic for Hypobetalipoproteinemia. Last evaluated: 2015-08-25. Review status: criteria provided, single submitter. Criteria: LMM Criteria. Collection method: clinical testing. Allele origin: germline. Inheritance: Autosomal recessive inheritance. Observed: 1 variant allele.
Comment: The p.Gln211X variant in APOB has not been previously reported in individuals wi th hypobetalipoproteinemia or in large population studies. This nonsense variant leads to a premature termination codon at position 211, which is predicted to l ead to a truncated or absent protein. Heterozygous loss-of-function of the APOB gene has been associated with familial hypobetalipoproteinemia (Welty 2014, Burn ett 2015). In summary, although additional studies are required to fully establi sh its clinical significance, the p.Gln211X variant is likely pathogenic for hyp obetalipoproteinemia.

Literature cited by the submitters: PubMed 25335495 (cited by Laboratory for Molecular Medicine, Mass General Brigham Personalized Medicine); PubMed 24751931 (cited by Laboratory for Molecular Medicine, Mass General Brigham Personalized Medicine).